The following is an entry in ClinVar:

NM_003737.4(DCHS1):c.4747C>A (p.Arg1583=)

Gene: DCHS1 (dachsous cadherin-related 1; minus strand). Cytogenetic location: 11p15.4.
Variant type: single nucleotide variant.
Coding change: c.4747C>A on transcript NM_003737.4 (MANE Select); coding-DNA position 4747, C replaced by A.
Protein change: p.Arg1583=; no amino-acid change (arginine 1583 retained).
Molecular consequence: synonymous variant.
Genome position (GRCh38, 1-based): chr11:6,630,047, G>T on the plus strand (C>A on the coding strand, the complement: DCHS1 is on the minus strand). VCF-style: chr11-6630047-G-T. GRCh37 (hg19) VCF-style: chr11-6651278-G-T.
Other names: c.4747C>A (NM_003737.3).
Identifiers: ClinVar variation 2801009 (VCV002801009.4), dbSNP rs148882462, ClinGen allele CA473240649.

ClinVar aggregate classification (germline): Likely benign. Review status: criteria provided, multiple submitters, no conflicts (2 of 4 stars). 2 submissions from 2 submitters: Likely benign (2). Last evaluated 2026-08-07.

Conditions:
DCHS1-related disorder. Also called: DCHS1-related condition.

gnomAD v4.1: 4 of 1,559,974 alleles (0.00026%); highest among the groups gnomAD compares: Non-Finnish European, 0.00035%; no homozygotes.

Submissions (2):

PreventionGenetics, part of Exact Sciences
Classification: Likely benign for DCHS1-related condition. Last evaluated: 2026-08-07. Review status: criteria provided, single submitter. Criteria: ACMG Guidelines, 2015. Collection method: clinical testing. Allele origin: germline.
Comment: This variant is classified as likely benign based on ACMG/AMP sequence variant interpretation guidelines (Richards et al. 2015 PMID: 25741868, with internal and published modifications).

Labcorp Genetics (formerly Invitae), Labcorp
Classification: Likely benign. Last evaluated: 2023-02-09. Review status: criteria provided, single submitter. Criteria: Invitae Variant Classification Sherloc (09022015). Collection method: clinical testing. Allele origin: germline.